The following is an entry in ClinVar:

ClinVar aggregate classification (germline): Uncertain significance. Review status: criteria provided, multiple submitters, no conflicts (2 of 4 stars). 2 submissions from 2 submitters: Uncertain significance (2). Last evaluated 2024-10-12.

Conditions:
Progressive myoclonic epilepsy type 8. Identifiers: Orphanet 424027, MedGen C5190825, MONDO:0014545, OMIM 616230.

Allele frequency attached by ClinVar (database versions not stated): gnomAD 0.00008; TOPMed 0.00010; gnomAD exomes 0.00027.
gnomAD v4.1: 306 of 1,249,826 alleles (0.024%); highest among the groups gnomAD compares: Non-Finnish European, 0.03%; no homozygotes.

Submissions (2):

Ambry Genetics
Classification: Uncertain significance. Last evaluated: 2024-10-12. Review status: criteria provided, single submitter. Criteria: Ambry Variant Classification Scheme 2023. Collection method: clinical testing. Allele origin: germline.

Labcorp Genetics (formerly Invitae), Labcorp
Classification: Uncertain significance for Progressive myoclonic epilepsy type 8. Last evaluated: 2022-06-25. Review status: criteria provided, single submitter. Criteria: Invitae Variant Classification Sherloc (09022015). Collection method: clinical testing. Allele origin: germline.
Comment: This sequence change replaces leucine, which is neutral and non-polar, with glutamine, which is neutral and polar, at codon 55 of the CERS1 protein (p.Leu55Gln). This variant is present in population databases (no rsID available, gnomAD 0.01%). This variant has not been reported in the literature in individuals affected with CERS1-related conditions. ClinVar contains an entry for this variant (Variation ID: 542129). Algorithms developed to predict the effect of missense changes on protein structure and function are either unavailable or do not agree on the potential impact of this missense change (SIFT: "Deleterious"; PolyPhen-2: "Possibly Damaging"; Align-GVGD: "Class C0"). In summary, the available evidence is currently insufficient to determine the role of this variant in disease. Therefore, it has been classified as a Variant of Uncertain Significance.

NM_021267.5(CERS1):c.164T>A (p.Leu55Gln)

Genes: CERS1 (ceramide synthase 1; minus strand), GDF1 (growth differentiation factor 1; minus strand). Cytogenetic location: 19p13.11.
Variant type: single nucleotide variant.
Coding change: c.164T>A on transcript NM_021267.5 (MANE Select); coding-DNA position 164, T replaced by A.
Protein change: p.Leu55Gln; replaces leucine 55 with glutamine.
Molecular consequence: missense variant. On other transcripts: 5 prime UTR variant (4), intron variant (3).
Genome position (GRCh38, 1-based): chr19:18,895,909, A>T on the plus strand (T>A on the coding strand, the complement: CERS1 is on the minus strand). VCF-style: chr19-18895909-A-T. GRCh37 (hg19) VCF-style: chr19-19006718-A-T.
Other names: c.164T>A, p.Leu55Gln (NM_001387439.1, NM_001387440.1, NM_001387441.1 and 1 more transcripts); c.-365T>A (NM_001387444.1); c.-312T>A (NM_001387445.1); c.-739T>A (NM_001387438.1); c.-1159T>A (NM_001492.6); c.-46+817T>A (NM_001387443.1); c.-46+652T>A (NM_001387442.1, NM_001290265.2); short protein forms L55Q.
Identifiers: ClinVar variation 542129 (VCV000542129.9), dbSNP rs918114133, ClinGen allele CA306258881.